The following is an entry in ClinVar:

ClinVar aggregate classification (germline): Uncertain significance (1 of 4 stars; one submission).

Conditions:
Hereditary cancer-predisposing syndrome. Also called: Neoplastic Syndromes, Hereditary; Tumor predisposition; Hereditary Cancer Syndrome; Hereditary neoplastic syndrome. Identifiers: Orphanet 140162, MedGen C0027672, MeSH D009386, MONDO:0015356.

Submission:

Ambry Genetics
Classification: Uncertain significance for Hereditary cancer-predisposing syndrome. Last evaluated: 2026-04-29. Review status: criteria provided, single submitter. Criteria: Ambry Variant Classification Scheme 2023. Collection method: clinical testing. Allele origin: germline.
Comment: The p.D808Y variant (also known as c.2422G>T), located in coding exon 15 of the APC gene, results from a G to T substitution at nucleotide position 2422. The aspartic acid at codon 808 is replaced by tyrosine, an amino acid with highly dissimilar properties. This amino acid position is well conserved in available vertebrate species. In addition, in silico predictors for this gene do not accurately predict pathogenicity. Missense variants in APC are not a common cause of disease (Spier I et al. Genet Med. 2024 Feb;26(2):100992). Based on the available evidence, the clinical significance of this variant remains unclear.

NM_000038.6(APC):c.2422G>T (p.Asp808Tyr)

Gene: APC (APC regulator of Wnt signaling pathway; plus strand). Cytogenetic location: 5q22.2.
Variant type: single nucleotide variant.
Coding change: c.2422G>T on transcript NM_000038.6 (MANE Select); coding-DNA position 2422, G replaced by T.
Protein change: p.Asp808Tyr; replaces aspartic acid 808 with tyrosine.
Molecular consequence: missense variant. On other transcripts: non-coding transcript variant (2).
Genome position (GRCh38, 1-based): chr5:112,838,016, G>T. VCF-style: chr5-112838016-G-T. GRCh37 (hg19) VCF-style: chr5-112173713-G-T.
Other names: c.2422G>T, p.Asp808Tyr (NM_001127510.3, NM_001407450.1, NM_001354895.2); c.2368G>T, p.Asp790Tyr (NM_001127511.3); c.1942G>T, p.Asp648Tyr (NM_001354905.2); c.1573G>T, p.Asp525Tyr (NM_001354906.2, NM_001407470.1); c.2506G>T, p.Asp836Tyr (NM_001407446.1); c.2476G>T, p.Asp826Tyr (NM_001407447.1, NM_001407448.1, NM_001407449.1 and 1 more transcripts); c.2401G>T, p.Asp801Tyr (NM_001407451.1); c.2392G>T, p.Asp798Tyr (NM_001407452.1); and 11 more; short protein forms D424Y, D525Y, D648Y, D679Y, D682Y, D707Y, D717Y, D725Y.
Identifiers: ClinVar variation 4861448 (VCV004861448.1).